The following is an entry in ClinVar:

NM_000059.4(BRCA2):c.211_212insTTTTTTTTTTTTTTTTTTNNNNNNNNNNGTTTCACCGTTTTAGCCGGGATGGTCTCGATCTCCTGACCTCGTGATCCGCCCGCCTCGGCCTCCCAAAGTGCTGGGATTACAGGCGTGAGCCACCGCGCCCGGCCCAGGAAACCATCTT (p.Tyr71delinsPhePhePhePhePhePheXaaXaaXaaXaaPheHisArgPheSerArgAspGlyLeuAspLeuLeuThrSerTer)

Gene: BRCA2 (BRCA2 DNA repair associated; plus strand). Cytogenetic location: 13q13.1.
Variant type: Insertion.
Coding change: c.211_212insTTTTTTTTTTTTTTTTTTNNNNNNNNNNGTTTCACCGTTTTAGCCGGGATGGTCTCGATCTCCTGACCTCGTGATCCGCCCGCCTCGGCCTCCCAAAGTGCTGGGATTACAGGCGTGAGCCACCGCGCCCGGCCCAGGAAACCATCTT on transcript NM_000059.4 (MANE Select); coding-DNA positions 211 to 212, TTTTTTTTTTTTTTTTTTNNNNNNNNNNGTTTCACCGTTTTAGCCGGGATGGTCTCGATCTCCTGACCTCGTGATCCGCCCGCCTCGGCCTCCCAAAGTGCTGGGATTACAGGCGTGAGCCACCGCGCCCGGCCCAGGAAACCATCTT inserted.
Protein change: p.Tyr71delinsPhePhePhePhePhePheXaaXaaXaaXaaPheHisArgPheSerArgAspGlyLeuAspLeuLeuThrSerTer.
Molecular consequence: nonsense.
Genome position: GRCh38: chr13:32,319,220-32,319,221. GRCh37 (hg19): chr13:32,893,357-32,893,358.
Identifiers: ClinVar variation 1076535 (VCV001076535.7), dbSNP rs2138704781.

ClinVar aggregate classification (germline): Pathogenic (1 of 4 stars; one submission).

Conditions:
Hereditary breast ovarian cancer syndrome. Also called: Hereditary breast and ovarian cancer; Breast and ovarian cancer; BRCA1- and BRCA2-Associated Hereditary Breast and Ovarian Cancer; Hereditary breast and/or ovarian cancer syndrome; Hereditary breast and ovarian cancer syndrome; Hereditary breast and ovarian cancer syndrome (HBOC). Identifiers: Orphanet 145, MedGen C0677776, MeSH D061325, MONDO:0003582. Disease mechanism: loss of function.

Submission:

Labcorp Genetics (formerly Invitae), Labcorp
Classification: Pathogenic for Hereditary breast ovarian cancer syndrome. Last evaluated: 2023-02-04. Review status: criteria provided, single submitter. Criteria: Invitae Variant Classification Sherloc (09022015). Collection method: clinical testing. Allele origin: germline.
Comment: This variant has not been reported in the literature in individuals affected with BRCA2-related conditions. This sequence change inserts a large fragment of DNA, likely a transposable element, in exon 3 of the BRCA2 gene (c.211_212ins?), causing a frameshift at codon 71 (p.Tyr71fs). The exact size and sequence of the insertion cannot be determined by the current assay. However, the insertion is expected to result in an absent or disrupted protein product. Retrotransposon insertions including LINE1 (L1), Alu, and SVA (SINE-VNTR-Alu) have been reported to be disease-causing through disruption of either a coding region or splice site (PMID: 19763152, 20307669, 22406018) and loss-of-function variants in BRCA2 are known to be pathogenic (PMID: 20104584). For these reasons, this variant has been classified as Pathogenic.

Literature cited by the submitters: PubMed 19763152; PubMed 20307669; PubMed 22406018; PubMed 20104584.